The following is an entry in ClinVar:

NM_000127.3(EXT1):c.2115del (p.Met705fs)

Gene: EXT1 (exostosin glycosyltransferase 1; minus strand). Cytogenetic location: 8q24.11.
Variant type: Deletion.
Coding change: c.2115del on transcript NM_000127.3 (MANE Select); coding-DNA position 2115, one base deleted (G; older notation c.2115delG).
Protein change: p.Met705fs; shifts the reading frame from methionine 705.
Molecular consequence: frameshift variant.
Genome position (GRCh38, 1-based): chr8:117,799,838, C deleted on the plus strand (G on the coding strand, the reverse complement: EXT1 is on the minus strand). VCF-style (leftmost placement, unchanged base first): chr8-117799837-TC-T. GRCh37 (hg19) VCF-style: chr8-118812076-TC-T.
Other names: short protein forms M705fs.
Identifiers: ClinVar variation 949554 (VCV000949554.9), dbSNP rs1823137578, ClinGen allele CA1139660711.

ClinVar aggregate classification (germline): Pathogenic (1 of 4 stars; one submission).

Conditions:
Multiple congenital exostosis (EXT). Also called: MULTIPLE CARTILAGINOUS EXOSTOSES; Multiple exostoses; Hereditary multiple exostoses; Hereditary multiple exostosis; Multiple osteochondromas; Hereditary multiple osteochondromas. Identifiers: Orphanet 321, MedGen C0015306, MONDO:0005508, HP:0002762.

Submission:

Labcorp Genetics (formerly Invitae), Labcorp
Classification: Pathogenic for Multiple congenital exostosis. Last evaluated: 2019-08-13. Review status: criteria provided, single submitter. Criteria: Invitae Variant Classification Sherloc (09022015). Collection method: clinical testing. Allele origin: germline.
Comment: This sequence change results in a premature translational stop signal in the EXT1 gene (p.Met705Ilefs*13). While this is not anticipated to result in nonsense mediated decay, it is expected to disrupt the last 42 amino acids of the EXT1 protein. This variant is not present in population databases (ExAC no frequency). This variant has not been reported in the literature in individuals with EXT1-related conditions. This variant disrupts the C-terminus of the EXT1 protein. Other variant(s) that disrupt this region (p.Trp711*) have been determined to be pathogenic (PMID: 29620724, Invitae). This suggests that variants that disrupt this region of the protein are likely to be causative of disease. For these reasons, this variant has been classified as Pathogenic.

Literature cited by the submitters: PubMed 29620724.